The following is an entry in ClinVar:

NM_005883.3(APC2):c.3903C>T (p.Cys1301=)

Gene: APC2 (APC regulator of Wnt signaling pathway 2; plus strand). Cytogenetic location: 19p13.3.
Variant type: single nucleotide variant.
Coding change: c.3903C>T on transcript NM_005883.3 (MANE Select); coding-DNA position 3903, C replaced by T.
Protein change: p.Cys1301=; no amino-acid change (cysteine 1301 retained).
Molecular consequence: synonymous variant.
Genome position (GRCh38, 1-based): chr19:1,467,204, C>T. VCF-style: chr19-1467204-C-T. GRCh37 (hg19) VCF-style: chr19-1467203-C-T.
Other names: c.3903C>T (NM_005883.2); c.3900C>T, p.Cys1300= (NM_001351273.1).
Identifiers: ClinVar variation 1928753 (VCV001928753.7), dbSNP rs755644938, ClinGen allele CA9045762.

ClinVar aggregate classification (germline): Likely benign. Review status: criteria provided, multiple submitters, no conflicts (2 of 4 stars). 3 submissions from 3 submitters: Likely benign (2). 1 of the submissions does not count toward it. Last evaluated 2024-06-14.

Conditions:
APC2-related disorder. Also called: APC2-Related Disorders; APC2-related condition.

Allele frequency attached by ClinVar (database versions not stated): gnomAD exomes 0.00004; TOPMed 0.00004; gnomAD 0.00005; ExAC 0.00009.
gnomAD v4.1: 57 of 1,432,558 alleles (0.004%); highest among the groups gnomAD compares: Non-Finnish European, 0.005%; no homozygotes.

Submissions (3):

Blueprint Genetics
Classification: Likely benign. Last evaluated: 2024-06-14. Review status: criteria provided, single submitter. Criteria: ACMG Guidelines, 2015. Collection method: clinical testing. Allele origin: germline.

Labcorp Genetics (formerly Invitae), Labcorp
Classification: Likely benign. Last evaluated: 2023-02-15. Review status: criteria provided, single submitter. Criteria: Invitae Variant Classification Sherloc (09022015). Collection method: clinical testing. Allele origin: germline.

PreventionGenetics, part of Exact Sciences
Classification: Likely benign for APC2-related condition. Last evaluated: 2019-03-29. Review status: no assertion criteria provided. Collection method: clinical testing. Allele origin: germline. Not counted in ClinVar's aggregate classification.
Comment: This variant is classified as likely benign based on ACMG/AMP sequence variant interpretation guidelines (Richards et al. 2015 PMID: 25741868, with internal and published modifications).